The following is an entry in ClinVar:

ClinVar aggregate classification (germline): Uncertain significance (1 of 4 stars; one submission).

Submission:

Labcorp Genetics (formerly Invitae), Labcorp
Classification: Uncertain significance. Last evaluated: 2025-04-03. Review status: criteria provided, single submitter. Criteria: Invitae Variant Classification Sherloc (09022015). Collection method: clinical testing. Allele origin: germline.
Comment: This sequence change falls in intron 9 of the RNF43 gene. It does not directly change the encoded amino acid sequence of the RNF43 protein. This variant is not present in population databases (gnomAD no frequency). This variant has not been reported in the literature in individuals affected with RNF43-related conditions. Algorithms developed to predict the effect of sequence changes on RNA splicing suggest that this variant may disrupt the consensus splice site. In summary, the available evidence is currently insufficient to determine the role of this variant in disease. Therefore, it has been classified as a Variant of Uncertain Significance.

NM_017763.6(RNF43):c.2309-6A>G

Gene: RNF43 (ring finger protein 43; minus strand). Cytogenetic location: 17q22.
Variant type: single nucleotide variant.
Coding change: c.2309-6A>G on transcript NM_017763.6 (MANE Select); 6 bases into the intron before coding-DNA position 2309, A replaced by G.
Molecular consequence: intron variant.
Genome position (GRCh38, 1-based): chr17:58,354,992, T>C on the plus strand (A>G on the coding strand, the complement: RNF43 is on the minus strand). VCF-style: chr17-58354992-T-C. GRCh37 (hg19) VCF-style: chr17-56432353-T-C.
Other names: c.2309-6A>G (NM_001438822.1, NM_001305544.3); c.1928-6A>G (NM_001305545.2).
Identifiers: ClinVar variation 4710344 (VCV004710344.1).